The following is an entry in ClinVar:

ClinVar aggregate classification (germline): Pathogenic (1 of 4 stars; one submission).

Submission:

Labcorp Genetics (formerly Invitae), Labcorp
Classification: Pathogenic. Last evaluated: 2022-08-04. Review status: criteria provided, single submitter. Criteria: Invitae Variant Classification Sherloc (09022015). Collection method: clinical testing. Allele origin: germline.
Comment: For these reasons, this variant has been classified as Pathogenic. Algorithms developed to predict the effect of sequence changes on RNA splicing suggest that this variant may disrupt the consensus splice site. This variant has not been reported in the literature in individuals affected with CERKL-related conditions. This variant is not present in population databases (gnomAD no frequency). This sequence change creates a premature translational stop signal (p.Tyr187*) in the CERKL gene. It is expected to result in an absent or disrupted protein product. Loss-of-function variants in CERKL are known to be pathogenic (PMID: 14681825, 23591405, 24043777).

Literature cited by the submitters: PubMed 14681825; PubMed 23591405; PubMed 24043777.

NM_201548.5(CERKL):c.561T>G (p.Tyr187Ter)

Gene: CERKL (CERK like autophagy regulator; minus strand). Cytogenetic location: 2q31.3.
Variant type: single nucleotide variant.
Coding change: c.561T>G on transcript NM_201548.5 (MANE Select); coding-DNA position 561, T replaced by G.
Protein change: p.Tyr187Ter; replaces tyrosine 187 with a stop codon.
Molecular consequence: nonsense. On other transcripts: non-coding transcript variant (1), intron variant (2).
Genome position (GRCh38, 1-based): chr2:181,573,805, A>C on the plus strand (T>G on the coding strand, the complement: CERKL is on the minus strand). VCF-style: chr2-181573805-A-C. GRCh37 (hg19) VCF-style: chr2-182438532-A-C.
Other names: c.561T>G, p.Tyr187Ter (NM_001030311.3, NM_001030313.3, NM_001030315.1); c.482-24097T>G (NM_001030312.3); c.482-7684T>G (NM_001160277.2); short protein forms Y187*.
Identifiers: ClinVar variation 2021543 (VCV002021543.5), dbSNP rs2468354584, ClinGen allele CA349744077.